The following is an entry in ClinVar:

ClinVar aggregate classification (germline): Conflicting classifications of pathogenicity. Review status: criteria provided, conflicting classifications (1 of 4 stars). 3 submissions from 3 submitters: Uncertain significance (2); Likely benign (1). Last evaluated 2024-01-03.

Conditions:
Inborn genetic diseases. Identifiers: MedGen C0950123, MeSH D030342.

Allele frequency attached by ClinVar (database versions not stated): gnomAD exomes 0.00002; TOPMed 0.00005; ESP Exome Variant Server 0.00008; gnomAD 0.00005; ExAC 0.00002.
gnomAD v4.1: 15 of 1,613,074 alleles (0.00093%); highest among the groups gnomAD compares: African/African-American, 0.015%; no homozygotes.

Submissions (3):

Ambry Genetics
Classification: Uncertain significance for Inborn genetic diseases. Last evaluated: 2024-01-03. Review status: criteria provided, single submitter. Criteria: Ambry Variant Classification Scheme 2023. Collection method: clinical testing. Allele origin: germline.

Labcorp Genetics (formerly Invitae), Labcorp
Classification: Uncertain significance. Last evaluated: 2023-10-09. Review status: criteria provided, single submitter. Criteria: Invitae Variant Classification Sherloc (09022015). Collection method: clinical testing. Allele origin: germline.
Comment: This sequence change replaces glutamic acid, which is acidic and polar, with glutamine, which is neutral and polar, at codon 527 of the ASPM protein (p.Glu527Gln). This variant is present in population databases (rs376058344, gnomAD 0.03%). This variant has not been reported in the literature in individuals affected with ASPM-related conditions. ClinVar contains an entry for this variant (Variation ID: 1205378). Advanced modeling of protein sequence and biophysical properties (such as structural, functional, and spatial information, amino acid conservation, physicochemical variation, residue mobility, and thermodynamic stability) performed at Invitae indicates that this missense variant is not expected to disrupt ASPM protein function. In summary, the available evidence is currently insufficient to determine the role of this variant in disease. Therefore, it has been classified as a Variant of Uncertain Significance.

GeneDx
Classification: Likely benign. Last evaluated: 2020-07-30. Review status: criteria provided, single submitter. Criteria: GeneDx Variant Classification Process June 2021. Collection method: clinical testing. Allele origin: germline. Affected: yes.

NM_018136.5(ASPM):c.1579G>C (p.Glu527Gln)

Gene: ASPM (assembly factor for spindle microtubules; minus strand). Cytogenetic location: 1q31.3.
Variant type: single nucleotide variant.
Coding change: c.1579G>C on transcript NM_018136.5 (MANE Select); coding-DNA position 1579, G replaced by C.
Protein change: p.Glu527Gln; replaces glutamic acid 527 with glutamine.
Molecular consequence: missense variant.
Genome position (GRCh38, 1-based): chr1:197,142,673, C>G on the plus strand (G>C on the coding strand, the complement: ASPM is on the minus strand). VCF-style: chr1-197142673-C-G. GRCh37 (hg19) VCF-style: chr1-197111803-C-G.
Other names: c.1579G>C, p.Glu527Gln (NM_001206846.2); short protein forms E527Q.
Identifiers: ClinVar variation 1205378 (VCV001205378.6), dbSNP rs376058344, ClinGen allele CA1310689.